The following is an entry in ClinVar:

ClinVar aggregate classification (germline): Uncertain significance (1 of 4 stars; one submission).

Conditions:
Niemann-Pick disease, type C1. Also called: NIEMANN-PICK DISEASE, VARIANT TYPE C1; NEUROVISCERAL STORAGE DISEASE WITH VERTICAL SUPRANUCLEAR OPHTHALMOPLEGIA; NIEMANN-PICK DISEASE WITH CHOLESTEROL ESTERIFICATION BLOCK; NIEMANN-PICK DISEASE WITHOUT SPHINGOMYELINASE DEFICIENCY; NIEMANN-PICK DISEASE, CHRONIC NEURONOPATHIC FORM. Identifiers: Orphanet 646, MedGen C3179455, MONDO:0009757, OMIM 257220.

Submission:

Labcorp Genetics (formerly Invitae), Labcorp
Classification: Uncertain significance for Niemann-Pick disease, type C1. Last evaluated: 2021-07-02. Review status: criteria provided, single submitter. Criteria: Invitae Variant Classification Sherloc (09022015). Collection method: clinical testing. Allele origin: germline.
Comment: This variant, c.42_44del, results in the deletion of 1 amino acid(s) of the NPC1 protein (p.Leu15del), but otherwise preserves the integrity of the reading frame. The frequency data for this variant in the population databases is considered unreliable, as metrics indicate insufficient coverage at this position in the ExAC database. This variant has not been reported in the literature in individuals affected with NPC1-related conditions. Experimental studies and prediction algorithms are not available or were not evaluated, and the functional significance of this variant is currently unknown. In summary, the available evidence is currently insufficient to determine the role of this variant in disease. Therefore, it has been classified as a Variant of Uncertain Significance.

NM_000271.5(NPC1):c.42_44del (p.Leu15del)

Gene: NPC1 (NPC intracellular cholesterol transporter 1; minus strand). Cytogenetic location: 18q11.2.
Variant type: Deletion.
Coding change: c.42_44del on transcript NM_000271.5 (MANE Select); coding-DNA positions 42 to 44, 3 bases deleted (ACT; older notation c.42_44delACT).
Protein change: p.Leu15del; deletes leucine 15.
Molecular consequence: inframe deletion.
Genome position (GRCh38, 1-based): chr18:23,586,300-23,586,302, AGT deleted on the plus strand (ACT on the coding strand, the reverse complement: NPC1 is on the minus strand); deleting any 3 consecutive bases within chr18:23,586,300-23,586,304 gives the same sequence; the c. name uses the placement nearest the transcript's 3' end. VCF-style (leftmost placement, unchanged base first): chr18-23586299-CAGT-C. GRCh37 (hg19) VCF-style: chr18-21166263-CAGT-C.
Other names: short protein forms L15del.
Identifiers: ClinVar variation 1431838 (VCV001431838.6), dbSNP rs895660071, ClinGen allele CA297085316.
Genomic context (GRCh38, chr18:23,586,299, plus strand): 5'-GCCCCGCCACGTCCCCACAGGGCGTCCCGGTGGCCGGCGACCGCTCACCTGCGCTGGACA[CAGT>C]AGCAGCAGGAGGAGGCCAAGGGCCAGGCCGCGAGCGGTCATGCTGTGGCCGCGCAAGGCT-3'